The following is an entry in ClinVar:

ClinVar aggregate classification (germline): Uncertain significance (1 of 4 stars; one submission).

Conditions:
Immunodeficiency 39 (IMD39). Identifiers: Orphanet 574918, MedGen C4225358, MONDO:0014597, OMIM 616345.

Submission:

Labcorp Genetics (formerly Invitae), Labcorp
Classification: Uncertain significance for Immunodeficiency 39. Last evaluated: 2025-07-07. Review status: criteria provided, single submitter. Criteria: Invitae Variant Classification Sherloc (09022015). Collection method: clinical testing. Allele origin: germline.
Comment: This sequence change falls in intron 2 of the IRF7 gene. It does not directly change the encoded amino acid sequence of the IRF7 protein. It affects a nucleotide within the consensus splice site. This variant is not present in population databases (gnomAD no frequency). This variant has not been reported in the literature in individuals affected with IRF7-related conditions. ClinVar contains an entry for this variant (Variation ID: 2129679). Variants that disrupt the consensus splice site are a relatively common cause of aberrant splicing (PMID: 17576681, 9536098). Algorithms developed to predict the effect of sequence changes on RNA splicing suggest that this variant may disrupt the consensus splice site. In summary, the available evidence is currently insufficient to determine the role of this variant in disease. Therefore, it has been classified as a Variant of Uncertain Significance.

Literature cited by the submitters: PubMed 17576681; PubMed 9536098.

NM_001572.5(IRF7):c.394+4A>G

Gene: IRF7 (interferon regulatory factor 7; minus strand). Cytogenetic location: 11p15.5.
Variant type: single nucleotide variant.
Coding change: c.394+4A>G on transcript NM_001572.5 (MANE Select); 4 bases into the intron after coding-DNA position 394, A replaced by G.
Molecular consequence: intron variant.
Genome position (GRCh38, 1-based): chr11:614,793, T>C on the plus strand (A>G on the coding strand, the complement: IRF7 is on the minus strand). VCF-style: chr11-614793-T-C. GRCh37 (hg19) VCF-style: chr11-614793-T-C.
Other names: c.394+4A>G (NM_004029.4); c.433+4A>G (NM_004031.4).
Identifiers: ClinVar variation 2129679 (VCV002129679.4), dbSNP rs2493937647, ClinGen allele CA2580084871.